The following is an entry in ClinVar:

ClinVar aggregate classification (germline): Uncertain significance. Review status: criteria provided, multiple submitters, no conflicts (2 of 4 stars). 2 submissions from 2 submitters: Uncertain significance (2). Last evaluated 2026-07-06.

Conditions:
Gorlin syndrome. Also called: Nevoid Basal Cell Carcinoma Syndrome; Basal cell nevus syndrome. Identifiers: Orphanet 377, MedGen C0004779, MONDO:0007187.
Hereditary cancer-predisposing syndrome. Also called: Hereditary neoplastic syndrome; Neoplastic Syndromes, Hereditary; Tumor predisposition; Hereditary Cancer Syndrome. Identifiers: Orphanet 140162, MedGen C0027672, MeSH D009386, MONDO:0015356.

Submissions (2):

Ambry Genetics
Classification: Uncertain significance for Hereditary cancer-predisposing syndrome. Last evaluated: 2026-07-06. Review status: criteria provided, single submitter. Criteria: Ambry Variant Classification Scheme 2023. Collection method: clinical testing. Allele origin: germline.
Comment: The p.V221F variant (also known as c.661G>T), located in coding exon 6 of the PTCH1 gene, results from a G to T substitution at nucleotide position 661. The valine at codon 221 is replaced by phenylalanine, an amino acid with highly similar properties. This amino acid position is conserved. In addition, this alteration is predicted to be deleterious by in silico analysis. Based on the available evidence, the clinical significance of this variant remains unclear.

Labcorp Genetics (formerly Invitae), Labcorp
Classification: Uncertain significance for Gorlin syndrome. Last evaluated: 2024-05-08. Review status: criteria provided, single submitter. Criteria: Invitae Variant Classification Sherloc (09022015). Collection method: clinical testing. Allele origin: germline.
Comment: This sequence change replaces valine, which is neutral and non-polar, with phenylalanine, which is neutral and non-polar, at codon 287 of the PTCH1 protein (p.Val287Phe). This variant is not present in population databases (gnomAD no frequency). This variant has not been reported in the literature in individuals affected with PTCH1-related conditions. Advanced modeling of protein sequence and biophysical properties (such as structural, functional, and spatial information, amino acid conservation, physicochemical variation, residue mobility, and thermodynamic stability) performed at Invitae indicates that this missense variant is not expected to disrupt PTCH1 protein function with a negative predictive value of 95%. In summary, the available evidence is currently insufficient to determine the role of this variant in disease. Therefore, it has been classified as a Variant of Uncertain Significance.

NM_000264.5(PTCH1):c.859G>T (p.Val287Phe)

Gene: PTCH1 (patched 1; minus strand). Cytogenetic location: 9q22.32.
Variant type: single nucleotide variant.
Coding change: c.859G>T on transcript NM_000264.5 (MANE Select); coding-DNA position 859, G replaced by T.
Protein change: p.Val287Phe; replaces valine 287 with phenylalanine.
Molecular consequence: missense variant. On other transcripts: non-coding transcript variant (1).
Genome position (GRCh38, 1-based): chr9:95,480,476, C>A on the plus strand (G>T on the coding strand, the complement: PTCH1 is on the minus strand). VCF-style: chr9-95480476-C-A. GRCh37 (hg19) VCF-style: chr9-98242758-C-A.
Other names: c.661G>T, p.Val221Phe (NM_001083602.3); c.856G>T, p.Val286Phe (NM_001083603.3); c.406G>T, p.Val136Phe (NM_001083604.3, NM_001083605.3, NM_001083606.3 and 1 more transcripts); c.859G>T, p.Val287Phe (NM_001354918.2); short protein forms V221F, V287F, V136F, V286F.
Identifiers: ClinVar variation 3638540 (VCV003638540.3).